The following is an entry in ClinVar:

ClinVar aggregate classification (germline): Uncertain significance. Review status: criteria provided, multiple submitters, no conflicts (2 of 4 stars). 2 submissions from 2 submitters: Uncertain significance (2). Last evaluated 2025-06-23.

Conditions:
Malignant hyperthermia, susceptibility to, 1 (MHS1). Also called: Anesthesia related hyperthermia; Malignant hyperpyrexia; Fulminating hyperpyrexia; Pharmacogenic myopathy; RYR1-Related Malignant Hyperthermia Susceptibility; Malignant hyperthermia suceptibility 1. Identifiers: Orphanet 423, MedGen C2930980, MONDO:0007783, OMIM 145600.

Allele frequency attached by ClinVar (database versions not stated): gnomAD exomes 0.00001.
gnomAD v4.1: 4 of 1,614,078 alleles (0.00025%); highest among the groups gnomAD compares: Admixed American, 0.0067%; no homozygotes.

Submissions (2):

Color Diagnostics, LLC DBA Color Health
Classification: Uncertain significance for Malignant hyperthermia, susceptibility to, 1. Last evaluated: 2025-06-23. Review status: criteria provided, single submitter. Criteria: ACMG Guidelines, 2015. Collection method: clinical testing. Allele origin: germline.
Comment: This missense variant replaces threonine with serine at codon 4147 of the RYR1 protein. Computational prediction suggests that this variant may have deleterious impact on protein structure and function. To our knowledge, functional studies have not been reported for this variant. This variant has not been reported in individuals affected with RYR1-related disorders in the literature. This variant has been identified in 4/251124 chromosomes in the general population by the Genome Aggregation Database (gnomAD). The available evidence is insufficient to determine the role of this variant in disease conclusively. Therefore, this variant is classified as a Variant of Uncertain Significance.

All of Us Research Program, National Institutes of Health
Classification: Uncertain significance for Malignant hyperthermia, susceptibility to, 1. Last evaluated: 2023-05-16. Review status: criteria provided, single submitter. Criteria: ACMG Guidelines, 2015. Collection method: clinical testing. Allele origin: germline. Inheritance: Autosomal dominant inheritance. Observed: 1 variant allele, 1 heterozygote.
Comment: This missense variant replaces threonine with serine at codon 4147 of the RYR1 protein. Computational prediction suggests that this variant may have deleterious impact on protein structure and function (internally defined REVEL score threshold >= 0.7, PMID: 27666373). To our knowledge, functional studies have not been reported for this variant. This variant has not been reported in individuals affected with RYR1-related disorders in the literature. This variant has been identified in 4/251124 chromosomes in the general population by the Genome Aggregation Database (gnomAD). The available evidence is insufficient to determine the role of this variant in disease conclusively. Therefore, this variant is classified as a Variant of Uncertain Significance.

This study involves interpretation of variants in research participants for the purpose of population health screening. Participant phenotype was not available at the time of variant classification. Additional details can be found in publication PMID: 35346344, PMCID: PMC8962531

NM_000540.3(RYR1):c.12440C>G (p.Thr4147Ser)

Gene: RYR1 (ryanodine receptor 1; plus strand). Cytogenetic location: 19q13.2.
Variant type: single nucleotide variant.
Coding change: c.12440C>G on transcript NM_000540.3 (MANE Select); coding-DNA position 12440, C replaced by G.
Protein change: p.Thr4147Ser; replaces threonine 4147 with serine.
Molecular consequence: missense variant.
Genome position (GRCh38, 1-based): chr19:38,561,270, C>G. VCF-style: chr19-38561270-C-G. GRCh37 (hg19) VCF-style: chr19-39051910-C-G.
Other names: c.12425C>G, p.Thr4142Ser (NM_001042723.2); short protein forms T4142S, T4147S.
Identifiers: ClinVar variation 3071091 (VCV003071091.2), dbSNP rs1173207771, ClinGen allele CA405668902.